The following continues an entry in ClinVar:

NM_000218.3(KCNQ1):c.1343dup (p.Glu449fs)

Gene: KCNQ1. ClinVar aggregate classification (germline): Pathogenic. Pathogenic (14).

Submissions 10 to 16 of 16:

Ambry Genetics
Classification: Pathogenic for Cardiovascular phenotype. Last evaluated: 2023-01-17. Review status: criteria provided, single submitter. Criteria: Ambry Variant Classification Scheme 2023. Collection method: clinical testing. Allele origin: germline.
Comment: The c.1343dupC pathogenic mutation, located in coding exon 10 of the KCNQ1 gene, results from a duplication of C at nucleotide position 1343, causing a translational frameshift with a predicted alternate stop codon (p.E449Rfs*14). This alteration has been reported in subjects with long QT syndrome (LQTS) (Chen S et al. Clin Genet, 2003 Apr;63:273-82; Kapa S et al. Circulation, 2009 Nov;120:1752-60; Chang RK et al. J Pediatr, 2014 Mar;164:590-5.e1-3). This alteration was also reported as homozygous in a subject with congenital hearing loss and prolonged QT interval (Adadi N et al. J Med Case Rep, 2017 Apr;11:88). This variant is considered to be rare based on population cohorts in the Genome Aggregation Database (gnomAD). In addition to the clinical data presented in the literature, this alteration is expected to result in loss of function by premature protein truncation or nonsense-mediated mRNA decay. As such, this alteration is interpreted as a disease-causing mutation.

Laboratory for Molecular Medicine, Mass General Brigham Personalized Medicine
Classification: Pathogenic for Familial long QT syndrome. Last evaluated: 2021-03-18. Review status: criteria provided, single submitter. Criteria: LMM Criteria. Collection method: clinical testing. Allele origin: germline. Inheritance: Autosomal dominant inheritance. Observed: 1 variant allele.
Comment: The p.Glu449ArgfsX14 variant in KCNQ1 has been reported in at least 2 individuals with long QT syndrome (LQTS; Chen 2003 PMID: 12702160, Itoh 2016 PMID: 26669661). This variant has also been reported in in 2 individuals with Jervell and Lange-Nielsen syndrome (JLNS): in 1 homozygote (Adadi 2017 PMID: 28364778) and 1 heterozygote in whom a variant affecting the other copy of KCNQ1 was not identified (Chang 2014 PMID: 24388587). This variant has also been reported by other clinical laboratories in Clinvar (Variation ID: 52978) and has been identified in 0.003% (1/34524) of Latino chromosomes by gnomAD. This variant is predicted to cause a frameshift, which alters the proteinâ€™s amino acid sequence beginning at position 449 and leads to a premature termination codon 14 amino acids downstream. This alteration is then predicted to lead to a truncated or absent protein. Loss of function of the KCNQ1 gene is an established disease mechanism in autosomal dominant LQTS and in autosomal recessive JLNS. In summary, this variant meets criteria to be classified as pathogenic for autosomal dominant LQTS (ACMG/AMP Criteria applied: PVS1, PM2_Supporting, PS4_Supporting) and in autosomal recessive JLNS (ACMG/AMP Criteria applied: PVS1, PM2_Supporting, PM3_Supporting).

Revvity Omics, Revvity
Classification: Pathogenic. Last evaluated: 2020-01-15. Review status: criteria provided, single submitter. Criteria: ACMG Guidelines, 2015. Collection method: clinical testing. Allele origin: germline.

Blueprint Genetics
Classification: Pathogenic for KCNQ1-related disorders. Last evaluated: 2019-02-19. Review status: criteria provided, single submitter. Criteria: ACMG Guidelines, 2015. Collection method: clinical testing. Allele origin: germline. Affected: yes. Observed: 2 variant alleles.

Stanford Center for Inherited Cardiovascular Disease, Stanford University
Classification: Pathogenic. Review status: criteria provided, single submitter. Criteria: ACMG Guidelines, 2015. Collection method: provider interpretation. Allele origin: germline.

Clinical Genetics, Academic Medical Center
Classification: Pathogenic. Review status: no assertion criteria provided. Collection method: clinical testing. Allele origin: germline. Affected: yes. Study: VKGL Data-share Consensus. Not counted in ClinVar's aggregate classification.

Joint Genome Diagnostic Labs from Nijmegen and Maastricht, Radboudumc and MUMC+
Classification: Pathogenic. Review status: no assertion criteria provided. Collection method: clinical testing. Allele origin: germline. Affected: yes. Study: VKGL Data-share Consensus. Not counted in ClinVar's aggregate classification.

Literature cited by the submitters: PubMed 12702160 (cited by 5 submitters); PubMed 9323054 (cited by Labcorp Genetics (formerly Invitae), Labcorp and All of Us Research Program, National Institutes of Health); PubMed 19862833 (cited by Labcorp Genetics (formerly Invitae), Labcorp and All of Us Research Program, National Institutes of Health); PubMed 24388587 (cited by 4 submitters); PubMed 26669661 (cited by 3 submitters); PubMed 28438721 (cited by Victorian Clinical Genetics Services, Murdoch Childrens Research Institute); PubMed 20301308 (cited by Victorian Clinical Genetics Services, Murdoch Childrens Research Institute); PubMed 19632626 (cited by Victorian Clinical Genetics Services, Murdoch Childrens Research Institute); PubMed 15840476 (cited by All of Us Research Program, National Institutes of Health); PubMed 28364778 (cited by 3 submitters); PubMed 32383558 (cited by All of Us Research Program, National Institutes of Health); PubMed 36102233 (cited by All of Us Research Program, National Institutes of Health); PubMed 19841300 (cited by Ambry Genetics).